The following is an entry in ClinVar:

NM_033026.6(PCLO):c.13511A>G (p.Lys4504Arg)

Gene: PCLO (piccolo presynaptic cytomatrix protein; minus strand). Cytogenetic location: 7q21.11.
Variant type: single nucleotide variant.
Coding change: c.13511A>G on transcript NM_033026.6 (MANE Select); coding-DNA position 13511, A replaced by G.
Protein change: p.Lys4504Arg; replaces lysine 4504 with arginine.
Molecular consequence: missense variant.
Genome position (GRCh38, 1-based): chr7:82,902,668, T>C on the plus strand (A>G on the coding strand, the complement: PCLO is on the minus strand). VCF-style: chr7-82902668-T-C. GRCh37 (hg19) VCF-style: chr7-82531984-T-C.
Other names: c.13511A>G, p.Lys4504Arg (NM_014510.3); short protein forms K4504R.
Identifiers: ClinVar variation 1379576 (VCV001379576.6), dbSNP rs1361842979, ClinGen allele CA367880504.

ClinVar aggregate classification (germline): Uncertain significance (1 of 4 stars; one submission).

Allele frequency attached by ClinVar (database versions not stated): gnomAD 0.00001; TOPMed 0.00002.

Submission:

Labcorp Genetics (formerly Invitae), Labcorp
Classification: Uncertain significance. Last evaluated: 2021-09-04. Review status: criteria provided, single submitter. Criteria: Invitae Variant Classification Sherloc (09022015). Collection method: clinical testing. Allele origin: germline.
Comment: Algorithms developed to predict the effect of missense changes on protein structure and function are either unavailable or do not agree on the potential impact of this missense change (SIFT: "Deleterious"; PolyPhen-2: "Not Available"; Align-GVGD: "Class C0"). This variant has not been reported in the literature in individuals affected with PCLO-related conditions. This variant is not present in population databases (ExAC no frequency). This sequence change replaces lysine with arginine at codon 4504 of the PCLO protein (p.Lys4504Arg). The lysine residue is moderately conserved and there is a small physicochemical difference between lysine and arginine. In summary, the available evidence is currently insufficient to determine the role of this variant in disease. Therefore, it has been classified as a Variant of Uncertain Significance.